The following is an entry in ClinVar:

NM_000138.5(FBN1):c.7440_7442del (p.Arg2481del)

Gene: FBN1 (fibrillin 1; minus strand). Cytogenetic location: 15q21.1.
Variant type: Deletion.
Coding change: c.7440_7442del on transcript NM_000138.5 (MANE Select); coding-DNA positions 7440 to 7442, 3 bases deleted (AAG; older notation c.7440_7442delAAG).
Protein change: p.Arg2481del; deletes arginine 2481.
Molecular consequence: inframe deletion.
Genome position (GRCh38, 1-based): chr15:48,425,380-48,425,382, CTT deleted on the plus strand (AAG on the coding strand, the reverse complement: FBN1 is on the minus strand); deleting any 3 consecutive bases within chr15:48,425,380-48,425,383 gives the same sequence; the c. name uses the placement nearest the transcript's 3' end. VCF-style (leftmost placement, unchanged base first): chr15-48425379-CCTT-C. GRCh37 (hg19) VCF-style: chr15-48717576-CCTT-C.
Other names: c.7440_7442del, p.Arg2481del (NM_001406716.1); short protein forms R2481del.
Identifiers: ClinVar variation 2952755 (VCV002952755.3), dbSNP rs1566892703, ClinGen allele CA919548703.

ClinVar aggregate classification (germline): Uncertain significance (1 of 4 stars; one submission).

Conditions:
Marfan syndrome (MFS). Also called: MARFAN SYNDROME, TYPE I; Marfan syndrome type 1; Marfan's syndrome; Marfan syndrome, classic; FBN1-Related Marfan Syndrome. Identifiers: Orphanet 284963, Orphanet 558, MedGen C0024796, MONDO:0007947, OMIM 154700.
Familial thoracic aortic aneurysm and aortic dissection (TAAD). Also called: Thoracic aortic aneurysms and dissections. Identifiers: Orphanet 91387, MedGen C4707243, MONDO:0019625.

Submission:

Labcorp Genetics (formerly Invitae), Labcorp
Classification: Uncertain significance for Marfan syndrome; Familial thoracic aortic aneurysm and aortic dissection. Last evaluated: 2023-10-10. Review status: criteria provided, single submitter. Criteria: Invitae Variant Classification Sherloc (09022015). Collection method: clinical testing. Allele origin: germline.
Comment: This variant, c.7440_7442del, results in the deletion of 1 amino acid(s) of the FBN1 protein (p.Arg2481del), but otherwise preserves the integrity of the reading frame. This variant is not present in population databases (gnomAD no frequency). This variant has not been reported in the literature in individuals affected with FBN1-related conditions. Experimental studies and prediction algorithms are not available or were not evaluated, and the functional significance of this variant is currently unknown. In summary, the available evidence is currently insufficient to determine the role of this variant in disease. Therefore, it has been classified as a Variant of Uncertain Significance.